The following is an entry in ClinVar:

ClinVar aggregate classification (germline): Uncertain significance (1 of 4 stars; one submission).

Conditions:
Ataxia-telangiectasia syndrome (AT). Also called: Ataxia telangiectasia (A-T); LOUIS-BAR SYNDROME; Cerebello-oculocutaneous telangiectasia; Immunodeficiency with ataxia telangiectasia; Ataxia-telangiectasia, complementation group D; AT, COMPLEMENTATION GROUP C. Identifiers: Orphanet 100, MedGen C0004135, MONDO:0008840, OMIM 208900.

Submission:

Labcorp Genetics (formerly Invitae), Labcorp
Classification: Uncertain significance for Ataxia-telangiectasia syndrome. Last evaluated: 2022-08-08. Review status: criteria provided, single submitter. Criteria: Invitae Variant Classification Sherloc (09022015). Collection method: clinical testing. Allele origin: germline.
Comment: In summary, the available evidence is currently insufficient to determine the role of this variant in disease. Therefore, it has been classified as a Variant of Uncertain Significance. Advanced modeling of protein sequence and biophysical properties (such as structural, functional, and spatial information, amino acid conservation, physicochemical variation, residue mobility, and thermodynamic stability) performed at Invitae indicates that this missense variant is expected to disrupt ATM protein function. This variant has not been reported in the literature in individuals affected with ATM-related conditions. This variant is not present in population databases (gnomAD no frequency). This sequence change replaces tryptophan, which is neutral and slightly polar, with glycine, which is neutral and non-polar, at codon 3055 of the ATM protein (p.Trp3055Gly).

NM_000051.4(ATM):c.9163T>G (p.Trp3055Gly)

Genes: ATM (ATM serine/threonine kinase; plus strand), C11orf65 (chromosome 11 open reading frame 65; minus strand). Cytogenetic location: 11q22.3.
Variant type: single nucleotide variant.
Coding change: c.9163T>G on transcript NM_000051.4 (MANE Select); coding-DNA position 9163, T replaced by G.
Protein change: p.Trp3055Gly; replaces tryptophan 3055 with glycine.
Molecular consequence: missense variant. On other transcripts: intron variant (2).
Genome position (GRCh38, 1-based): chr11:108,365,500, T>G. VCF-style: chr11-108365500-T-G. GRCh37 (hg19) VCF-style: chr11-108236227-T-G.
Other names: c.9163T>G, p.Trp3055Gly (NM_001351834.2); c.640+20420A>C (NM_001330368.2); c.694+20420A>C (NM_001351110.2); short protein forms W3055G.
Identifiers: ClinVar variation 1715671 (VCV001715671.6), dbSNP rs2137930481, ClinGen allele CA382532193.